The following is an entry in ClinVar:

Conditions:
Breast-ovarian cancer, familial, susceptibility to, 1 (BROVCA1). Also called: BRCA1 Hereditary Breast and Ovarian Cancer; OVARIAN CANCER, SUSCEPTIBILITY TO. Identifiers: Orphanet 145, MedGen C2676676, MONDO:0011450, OMIM 604370. Disease mechanism: loss of function.

Submission:

Brotman Baty Institute, University of Washington
No classification provided (evidence only). Condition: Breast-ovarian cancer, familial 1. Review status: no classification provided. Collection method: in vitro. Allele origin: not applicable. Functional consequence: function_uncertain_variant.
ClinVar note: "not provided" was previously submitted as the classification for the variant. However, the classification appeared to be based only on an observation of functional data so it was converted to no classification on 2025-07-30.

NM_007294.4(BRCA1):c.4987A>C (p.Met1663Leu)

Gene: BRCA1 (BRCA1 DNA repair associated; minus strand). Cytogenetic location: 17q21.31.
Variant type: single nucleotide variant.
Coding change: c.4987A>C on transcript NM_007294.4 (MANE Select); coding-DNA position 4987, A replaced by C.
Protein change: p.Met1663Leu; replaces methionine 1663 with leucine.
Molecular consequence: missense variant. On other transcripts: non-coding transcript variant (1).
Genome position (GRCh38, 1-based): chr17:43,067,695, T>G on the plus strand (A>C on the coding strand, the complement: BRCA1 is on the minus strand). VCF-style: chr17-43067695-T-G. GRCh37 (hg19) VCF-style: chr17-41219712-T-G.
Other names: c.4774A>C, p.Met1592Leu (NM_001407571.1, NM_001407897.1, NM_001407898.1 and 12 more transcripts); c.5053A>C, p.Met1685Leu (NM_001407581.1, NM_001407582.1); c.5050A>C, p.Met1684Leu (NM_001407583.1, NM_001407585.1, NM_001407587.1 and 1 more transcripts); c.5047A>C, p.Met1683Leu (NM_001407590.1, NM_001407591.1); c.4987A>C, p.Met1663Leu (NM_001407593.1, NM_001407594.1, NM_001407596.1 and 8 more transcripts); c.4984A>C, p.Met1662Leu (NM_001407610.1, NM_001407611.1, NM_001407612.1 and 17 more transcripts); c.4981A>C, p.Met1661Leu (NM_001407627.1, NM_001407628.1, NM_001407629.1 and 14 more transcripts); c.4975A>C, p.Met1659Leu (NM_001407646.1); and 70 more; short protein forms M559L, M1663L, M1684L, M1616L, M1367L, M1534L, M1573L, M1594L.
Identifiers: ClinVar variation 865510 (VCV000865510.3), dbSNP rs80357117, ClinGen allele CA10591544.